The following is an entry in ClinVar:

ClinVar aggregate classification (germline): Pathogenic/Likely pathogenic. Review status: criteria provided, multiple submitters, no conflicts (2 of 4 stars). 2 submissions from 2 submitters: Pathogenic (1); Likely pathogenic (1). Last evaluated 2024-08-23.

Conditions:
LRP5-related disorder. Also called: LRP5-related condition.

Allele frequency attached by ClinVar (database versions not stated): gnomAD exomes below 0.00001.

Submissions (2):

Labcorp Genetics (formerly Invitae), Labcorp
Classification: Pathogenic. Last evaluated: 2024-08-23. Review status: criteria provided, single submitter. Criteria: Invitae Variant Classification Sherloc (09022015). Collection method: clinical testing. Allele origin: germline.
Comment: This sequence change creates a premature translational stop signal (p.Asp69Phefs*11) in the LRP5 gene. It is expected to result in an absent or disrupted protein product. Loss-of-function variants in LRP5 are known to be pathogenic (PMID: 11719191, 16252235, 25711638). This variant is present in population databases (no rsID available, gnomAD 0.0009%). This variant has not been reported in the literature in individuals affected with LRP5-related conditions. ClinVar contains an entry for this variant (Variation ID: 940109). For these reasons, this variant has been classified as Pathogenic.

Blueprint Genetics
Classification: Likely pathogenic for LRP5-related disorders. Last evaluated: 2022-09-09. Review status: criteria provided, single submitter. Criteria: ACMG Guidelines, 2015. Collection method: clinical testing. Allele origin: germline. Affected: yes. Observed: 1 variant allele.

Literature cited by the submitters: PubMed 11719191 (cited by Labcorp Genetics (formerly Invitae), Labcorp); PubMed 16252235 (cited by Labcorp Genetics (formerly Invitae), Labcorp); PubMed 25711638 (cited by Labcorp Genetics (formerly Invitae), Labcorp).

NM_002335.4(LRP5):c.204_213del (p.Asp69fs)

Gene: LRP5 (LDL receptor related protein 5; plus strand). Cytogenetic location: 11q13.2.
Variant type: Deletion.
Coding change: c.204_213del on transcript NM_002335.4 (MANE Select); coding-DNA positions 204 to 213, 10 bases deleted (GGACTTCCAG; older notation c.204_213delGGACTTCCAG).
Protein change: p.Asp69fs; shifts the reading frame from aspartic acid 69.
Molecular consequence: frameshift variant. On other transcripts: 5 prime UTR variant (1).
Genome position (GRCh38, 1-based): chr11:68,347,959-68,347,968, GGACTTCCAG deleted. VCF-style (leftmost placement, unchanged base first): chr11-68347958-TGGACTTCCAG-T. GRCh37 (hg19) VCF-style: chr11-68115426-TGGACTTCCAG-T.
Other names: c.-1562_-1553del (NM_001291902.2); short protein forms D69fs.
Identifiers: ClinVar variation 940109 (VCV000940109.8), dbSNP rs1234997874, ClinGen allele CA600238881.